The following is an entry in ClinVar:

ClinVar aggregate classification (germline): Likely benign. Review status: criteria provided, multiple submitters, no conflicts (2 of 4 stars). 2 submissions from 2 submitters: Likely benign (2). Last evaluated 2023-10-13.

Allele frequency attached by ClinVar (database versions not stated): gnomAD exomes below 0.00001.
gnomAD v4.1: 1 of 1,613,334 alleles (0.000062%); highest among the groups gnomAD compares: South Asian, 0.0011%; no homozygotes.

Submissions (2):

Women's Health and Genetics/Laboratory Corporation of America, LabCorp
Classification: Likely benign. Last evaluated: 2023-10-13. Review status: criteria provided, single submitter. Criteria: LabCorp Variant Classification Summary - May 2015. Collection method: clinical testing. Allele origin: germline.
Comment: Variant summary: COL4A1 c.3406+9C>T alters a non-conserved nucleotide located at a position not widely known to affect splicing. Consensus agreement among computation tools predict no significant impact on normal splicing. However, these predictions have yet to be confirmed by functional studies. The variant was absent in 251386 control chromosomes. The available data on variant occurrences in the general population are insufficient to allow any conclusion about variant significance. To our knowledge, no occurrence of c.3406+9C>T in individuals affected with Porencephaly 1 and no experimental evidence demonstrating its impact on protein function have been reported. No submitters have cited clinical-significance assessments for this variant to ClinVar after 2014. Based on the evidence outlined above, the variant was classified as likely benign.

Labcorp Genetics (formerly Invitae), Labcorp
Classification: Likely benign. Last evaluated: 2023-07-16. Review status: criteria provided, single submitter. Criteria: Invitae Variant Classification Sherloc (09022015). Collection method: clinical testing. Allele origin: germline.

NM_001845.6(COL4A1):c.3406+9C>T

Gene: COL4A1 (collagen type IV alpha 1 chain; minus strand). Cytogenetic location: 13q34.
Variant type: single nucleotide variant.
Coding change: c.3406+9C>T on transcript NM_001845.6 (MANE Select); 9 bases into the intron after coding-DNA position 3406, C replaced by T.
Molecular consequence: intron variant.
Genome position (GRCh38, 1-based): chr13:110,174,437, G>A on the plus strand (C>T on the coding strand, the complement: COL4A1 is on the minus strand). VCF-style: chr13-110174437-G-A. GRCh37 (hg19) VCF-style: chr13-110826784-G-A.
Identifiers: ClinVar variation 2637717 (VCV002637717.4), dbSNP rs2501770133, ClinGen allele CA2623673461.